The following is an entry in ClinVar:

ClinVar aggregate classification (germline): Likely pathogenic. Review status: criteria provided, multiple submitters, no conflicts (2 of 4 stars). 2 submissions from 2 submitters: Likely pathogenic (2). Last evaluated 2025-11-14.

Conditions:
Abetalipoproteinaemia (ABL). Also called: MTP DEFICIENCY; Abetalipoproteinemia; Abetalipoproteinemia neuropathy; Apolipoprotein B deficiency; Congenital betalipoprotein deficiency syndrome. Identifiers: Orphanet 14, MedGen C0000744, MONDO:0008692, OMIM 200100, HP:0008181.
MTTP-related disorder. Also called: MTTP-related condition.

Submissions (2):

Natera, Inc.
Classification: Likely pathogenic for Abetalipoproteinemia. Last evaluated: 2025-11-14. Review status: criteria provided, single submitter. Criteria: Natera Variant Classification Schema (03/2026). Collection method: clinical testing. Allele origin: germline.
Comment: The c.1383delT variant in MTTP is a frameshift variant predicted to shift the reading frame beginning at codon 462 and leads to a stop codon 16 codons downstream. This variant is expected to result in nonsense mediated decay, truncation, or a dysfunctional protein product. This variant is rare in the general population with a frequency below the threshold expected for the associated phenotype(s). Given the available evidence, this variant is classified as Likely Pathogenic.

Blueprint Genetics
Classification: Likely pathogenic for MTTP-related disorders. Last evaluated: 2022-07-18. Review status: criteria provided, single submitter. Criteria: ACMG Guidelines, 2015. Collection method: clinical testing. Allele origin: germline. Affected: yes. Observed: 1 variant allele.

NM_001386140.1(MTTP):c.1383del (p.Glu462fs)

Gene: MTTP (microsomal triglyceride transfer protein; plus strand). Cytogenetic location: 4q23.
Variant type: Deletion.
Coding change: c.1383del on transcript NM_001386140.1 (MANE Select); coding-DNA position 1383, one base deleted (T; older notation c.1383delT).
Protein change: p.Glu462fs; shifts the reading frame from glutamic acid 462.
Molecular consequence: frameshift variant.
Genome position (GRCh38, 1-based): chr4:99,606,786, T deleted; the last of 2 consecutive T bases (chr4:99,606,785-99,606,786); deleting either gives the same sequence. VCF-style (leftmost placement, unchanged base first): chr4-99606784-CT-C. GRCh37 (hg19) VCF-style: chr4-100527941-CT-C.
Other names: c.1383del, p.Glu462fs (NM_000253.4); c.1134del, p.Glu379fs (NM_001300785.2); short protein forms E379fs, E462fs.
Identifiers: ClinVar variation 4817987 (VCV004817987.2).